The following is an entry in ClinVar:

NM_006516.4(SLC2A1):c.731T>C (p.Met244Thr)

Gene: SLC2A1 (solute carrier family 2 member 1; minus strand). Cytogenetic location: 1p34.2.
Variant type: single nucleotide variant.
Coding change: c.731T>C on transcript NM_006516.4 (MANE Select); coding-DNA position 731, T replaced by C.
Protein change: p.Met244Thr; replaces methionine 244 with threonine.
Molecular consequence: missense variant.
Genome position (GRCh38, 1-based): chr1:42,929,729, A>G on the plus strand (T>C on the coding strand, the complement: SLC2A1 is on the minus strand). VCF-style: chr1-42929729-A-G. GRCh37 (hg19) VCF-style: chr1-43395400-A-G.
Other names: short protein forms M244T.
Identifiers: ClinVar variation 975168 (VCV000975168.4), dbSNP rs1064795363, ClinGen allele CA339958075.

ClinVar aggregate classification (germline): Uncertain significance. Review status: criteria provided, single submitter (1 of 4 stars). 2 submissions from 2 submitters: Uncertain significance (1). 1 of the submissions does not count toward it. Last evaluated 2024-01-27.

Conditions:
Encephalopathy due to GLUT1 deficiency. Also called: GLUT1 deficiency syndrome 1; De Vivo disease; Glucose transporter protein syndrome; GLUT1 deficiency syndrome 1, infantile onset, severe; Classic Glucose Transporter Type 1 Deficiency Syndrome; GLUCOSE TRANSPORT DEFECT, BLOOD-BRAIN BARRIER. Identifiers: Orphanet 71277, MedGen C4551966, MONDO:0011724, OMIM 606777.
GLUT1 deficiency syndrome 1, autosomal recessive. Identifiers: MedGen C3149117.

Submissions (2):

Labcorp Genetics (formerly Invitae), Labcorp
Classification: Uncertain significance for GLUT1 deficiency syndrome 1, autosomal recessive. Last evaluated: 2024-01-27. Review status: criteria provided, single submitter. Criteria: Invitae Variant Classification Sherloc (09022015). Collection method: clinical testing. Allele origin: germline.
Comment: This sequence change replaces methionine, which is neutral and non-polar, with threonine, which is neutral and polar, at codon 244 of the SLC2A1 protein (p.Met244Thr). This variant is not present in population databases (gnomAD no frequency). This variant has not been reported in the literature in individuals affected with SLC2A1-related conditions. ClinVar contains an entry for this variant (Variation ID: 975168). Advanced modeling of protein sequence and biophysical properties (such as structural, functional, and spatial information, amino acid conservation, physicochemical variation, residue mobility, and thermodynamic stability) performed at Invitae indicates that this missense variant is expected to disrupt SLC2A1 protein function with a positive predictive value of 95%. In summary, the available evidence is currently insufficient to determine the role of this variant in disease. Therefore, it has been classified as a Variant of Uncertain Significance.

Centre de Biologie Pathologie Génétique, Centre Hospitalier Universitaire de Lille
Classification: Likely pathogenic for GLUT1 deficiency syndrome 1. Last evaluated: 2019-01-01. Review status: no assertion criteria provided. Collection method: clinical testing. Allele origin: unknown. Affected: yes. Not counted in ClinVar's aggregate classification.